The following is an entry in ClinVar:

ClinVar aggregate classification (germline): Uncertain significance (1 of 4 stars; one submission).

Conditions:
Autosomal recessive ataxia, Beauce type. Also called: SYNE1-Related Autosomal Recessive Cerebellar Ataxia; Spinocerebellar ataxia, autosomal recessive 8; ATAXIA, RECESSIVE, OF BEAUCE; SYNE1 Deficiency. Identifiers: Orphanet 88644, MedGen C1853116, MONDO:0012549, OMIM 610743.
Emery-Dreifuss muscular dystrophy 4, autosomal dominant (EDMD4). Also called: EMERY-DREIFUSS MUSCULAR DYSTROPHY 4 WITH VARIABLE FEATURES. Identifiers: Orphanet 261, MedGen C2751807, MONDO:0013071, OMIM 612998.

Submission:

Labcorp Genetics (formerly Invitae), Labcorp
Classification: Uncertain significance for Emery-Dreifuss muscular dystrophy 4, autosomal dominant; Autosomal recessive ataxia, Beauce type. Last evaluated: 2021-06-01. Review status: criteria provided, single submitter. Criteria: Invitae Variant Classification Sherloc (09022015). Collection method: clinical testing. Allele origin: germline.
Comment: In summary, the available evidence is currently insufficient to determine the role of this variant in disease. Therefore, it has been classified as a Variant of Uncertain Significance. Nucleotide substitutions within the consensus splice site are a relatively common cause of aberrant splicing (PMID: 17576681, 9536098). Algorithms developed to predict the effect of sequence changes on RNA splicing suggest that this variant may disrupt the consensus splice site, but this prediction has not been confirmed by published transcriptional studies. This variant has not been reported in the literature in individuals with SYNE1-related conditions. This variant is not present in population databases (ExAC no frequency). This sequence change falls in intron 96 of the SYNE1 gene. It does not directly change the encoded amino acid sequence of the SYNE1 protein. It affects a nucleotide within the consensus splice site of the intron.

Literature cited by the submitters: PubMed 17576681; PubMed 9536098.

NM_182961.4(SYNE1):c.18381+3A>C

Gene: SYNE1 (spectrin repeat containing nuclear envelope protein 1; minus strand). Cytogenetic location: 6q25.2.
Variant type: single nucleotide variant.
Coding change: c.18381+3A>C on transcript NM_182961.4 (MANE Select); 3 bases into the intron after coding-DNA position 18381, A replaced by C.
Molecular consequence: intron variant.
Genome position (GRCh38, 1-based): chr6:152,281,804, T>G on the plus strand (A>C on the coding strand, the complement: SYNE1 is on the minus strand). VCF-style: chr6-152281804-T-G. GRCh37 (hg19) VCF-style: chr6-152602939-T-G.
Other names: c.18168+3A>C (NM_033071.5).
Identifiers: ClinVar variation 1474525 (VCV001474525.6), dbSNP rs2153724535, ClinGen allele CA2573140635.